The following is an entry in ClinVar:

GRCh37/hg19 Xq28(chrX:154120621-154565718)x1

Genes: BRCC3 (BRCA1/BRCA2-containing complex subunit 3; plus strand), CMC4 (C-X9-C motif containing 4; minus strand), F8 (coagulation factor VIII; minus strand), FUNDC2 (FUN14 domain containing 2; plus strand), MTCP1 (mature T cell proliferation 1; minus strand) and 3 more. Cytogenetic location: Xq28.
Variant type: copy number loss.
Change: copy number 1 of chrX:154,120,621-154,565,718 (445.1 kb, GRCh37 coordinates, 1-based), cytogenetic band Xq28.
Identifiers: ClinVar variation 1808711 (VCV001808711.2).

ClinVar aggregate classification (germline): Likely pathogenic (1 of 4 stars; one submission).

Submission:

Quest Diagnostics Nichols Institute San Juan Capistrano
Classification: Likely pathogenic. Last evaluated: 2024-09-03. Review status: criteria provided, single submitter. Criteria: ACMG/ClinGen CNV Guidelines, 2019. Collection method: clinical testing. Allele origin: unknown.
Comment: The deletion of Xq28 is mediated by nonallelic homologous recombination between two directly oriented int22h repeats. Haploinsufficiency of F8 (OMIM 300841; ClinGen CCID:007107), in males, is associated with hemophilia A (OMIM 306700). While female carriers are generally considered to be unaffected, 30% of heterozygous females have clotting activity below 40% (Konkle 2000). Additionally, haploinsufficiency of RAB39B (OMIM 300774; ClinGen CCID:007740 ) is associated with X-linked intellectual developmental disorder-72 (XLID72; OMIM 300271). Hemizygous deletions involving BRCC3 (OMIM 300617) and MTCP1 (OMIM 300116) has been identified as an etiology for Moyamoya disease 4 (MYMY4; OMIM 300845). There are no similar copy number losses of this region in the general populations of the Database of Genomic Variants. Thus, based on current medical literature and gene content, this copy number variant (CNV) is classified as pathogenic, with clinical presentation of this finding in a female typically being dependent upon X-inactivation status. References: Konkle et al., GeneReviews. 2000 Sep; NBK1404. PMID: 20301578